The following is an entry in ClinVar:

NM_001267550.2(TTN):c.16742A>T (p.Asp5581Val)

Gene: TTN (titin; minus strand). Cytogenetic location: 2q31.2.
Variant type: single nucleotide variant.
Coding change: c.16742A>T on transcript NM_001267550.2 (MANE Select); coding-DNA position 16742, A replaced by T.
Protein change: p.Asp5581Val; replaces aspartic acid 5581 with valine.
Molecular consequence: missense variant. On other transcripts: intron variant (3).
Genome position (GRCh38, 1-based): chr2:178,732,227, T>A on the plus strand (A>T on the coding strand, the complement: TTN is on the minus strand). VCF-style: chr2-178732227-T-A. GRCh37 (hg19) VCF-style: chr2-179596954-T-A.
Other names: c.15791A>T, p.Asp5264Val (NM_001256850.1); c.13010A>T, p.Asp4337Val (NM_133378.4); c.13282+5855A>T (NM_003319.4); c.13858+5855A>T (NM_133437.4); c.13657+5855A>T (NM_133432.3); short protein forms D4337V, D5264V, D5581V.
Identifiers: ClinVar variation 4984404 (VCV004984404.1).

ClinVar aggregate classification (germline): Uncertain significance (1 of 4 stars; one submission).

Conditions:
TTN-related disorder. Also called: TTN-related disorders; TTN-related condition; TTN-related disease.

gnomAD v4.1: 6 of 1,613,748 alleles (0.00037%); highest among the groups gnomAD compares: Non-Finnish European, 0.00051%; no homozygotes.

Submission:

PreventionGenetics, part of Exact Sciences
Classification: Uncertain significance for TTN-related condition. Last evaluated: 2026-07-20. Review status: criteria provided, single submitter. Criteria: ACMG Guidelines, 2015. Collection method: clinical testing. Allele origin: germline.
Comment: The TTN c.16742A>T variant is predicted to result in the amino acid substitution p.Asp5581Val. To our knowledge, this variant has not been reported in the literature. This variant is reported in 0.0065% of alleles in individuals of European (Non-Finnish) descent in gnomAD. At this time, the clinical significance of this variant is uncertain due to the absence of conclusive functional and genetic evidence.